The following is an entry in ClinVar:

NM_007055.4(POLR3A):c.4057A>G (p.Met1353Val)

Gene: POLR3A (RNA polymerase III subunit A; minus strand). Cytogenetic location: 10q22.3.
Variant type: single nucleotide variant.
Coding change: c.4057A>G on transcript NM_007055.4 (MANE Select); coding-DNA position 4057, A replaced by G.
Protein change: p.Met1353Val; replaces methionine 1353 with valine.
Molecular consequence: missense variant.
Genome position (GRCh38, 1-based): chr10:77,977,594, T>C on the plus strand (A>G on the coding strand, the complement: POLR3A is on the minus strand). VCF-style: chr10-77977594-T-C. GRCh37 (hg19) VCF-style: chr10-79737352-T-C.
Other names: short protein forms M1353V.
Identifiers: ClinVar variation 501275 (VCV000501275.11), dbSNP rs147168447, ClinGen allele CA5570608.

ClinVar aggregate classification (germline): Uncertain significance. Review status: criteria provided, multiple submitters, no conflicts (2 of 4 stars). 4 submissions from 4 submitters: Uncertain significance (4). Last evaluated 2024-12-05.

Conditions:
Inborn genetic diseases. Identifiers: MedGen C0950123, MeSH D030342.

Allele frequency attached by ClinVar (database versions not stated): gnomAD exomes 0.00004 and 0.00008; ExAC 0.00014; gnomAD 0.00048 and 0.00051; ESP Exome Variant Server 0.00054; TOPMed 0.00058; 1000 Genomes Project 0.00060; 1000 Genomes Project 30x 0.00062.

Submissions (4):

GeneDx
Classification: Uncertain significance. Last evaluated: 2024-12-05. Review status: criteria provided, single submitter. Criteria: GeneDx Variant Classification Process June 2021. Collection method: clinical testing. Allele origin: germline. Affected: yes.
Comment: In silico analysis indicates that this missense variant does not alter protein structure/function; Has not been previously published as pathogenic or benign to our knowledge

Labcorp Genetics (formerly Invitae), Labcorp
Classification: Uncertain significance. Last evaluated: 2022-10-17. Review status: criteria provided, single submitter. Criteria: Invitae Variant Classification Sherloc (09022015). Collection method: clinical testing. Allele origin: germline.
Comment: This sequence change replaces methionine, which is neutral and non-polar, with valine, which is neutral and non-polar, at codon 1353 of the POLR3A protein (p.Met1353Val). This variant is present in population databases (rs147168447, gnomAD 0.1%). This variant has not been reported in the literature in individuals affected with POLR3A-related conditions. ClinVar contains an entry for this variant (Variation ID: 501275). Advanced modeling of protein sequence and biophysical properties (such as structural, functional, and spatial information, amino acid conservation, physicochemical variation, residue mobility, and thermodynamic stability) performed at Invitae indicates that this missense variant is not expected to disrupt POLR3A protein function. In summary, the available evidence is currently insufficient to determine the role of this variant in disease. Therefore, it has been classified as a Variant of Uncertain Significance.

Ambry Genetics
Classification: Uncertain significance for Inborn genetic diseases. Last evaluated: 2022-01-10. Review status: criteria provided, single submitter. Criteria: Ambry Variant Classification Scheme 2023. Collection method: clinical testing. Allele origin: germline.

Eurofins Ntd Llc (ga)
Classification: Uncertain significance. Last evaluated: 2017-04-03. Review status: criteria provided, single submitter. Criteria: EGL Classification Definitions 2015. Collection method: clinical testing. Allele origin: germline. Observed: 1 variant allele, 1 heterozygote.